The following is an entry in ClinVar:

NM_004304.5(ALK):c.2633-4G>A

Gene: ALK (ALK receptor tyrosine kinase; minus strand). Cytogenetic location: 2p23.2.
Variant type: single nucleotide variant.
Coding change: c.2633-4G>A on transcript NM_004304.5 (MANE Select); 4 bases into the intron before coding-DNA position 2633, G replaced by A.
Molecular consequence: intron variant.
Genome position (GRCh38, 1-based): chr2:29,229,070, C>T on the plus strand (G>A on the coding strand, the complement: ALK is on the minus strand). VCF-style: chr2-29229070-C-T. GRCh37 (hg19) VCF-style: chr2-29451936-C-T.
Identifiers: ClinVar variation 412934 (VCV000412934.15), dbSNP rs199575811, ClinGen allele CA1594226.

ClinVar aggregate classification (germline): Benign/Likely benign. Review status: criteria provided, multiple submitters, no conflicts (2 of 4 stars). 5 submissions from 5 submitters: Benign (1); Likely benign (4). Last evaluated 2026-02-02.

Conditions:
Hereditary cancer-predisposing syndrome. Also called: Neoplastic Syndromes, Hereditary; Tumor predisposition; Hereditary Cancer Syndrome; Hereditary neoplastic syndrome. Identifiers: Orphanet 140162, MedGen C0027672, MeSH D009386, MONDO:0015356.
Neuroblastoma, susceptibility to, 3. Also called: ALK-Related Neuroblastic Tumor Susceptibility. Identifiers: Orphanet 635, MedGen C2751681, MONDO:0013083, OMIM 613014.

Allele frequency attached by ClinVar (database versions not stated): gnomAD exomes 0.00003 and 0.00006; ExAC 0.00007; ESP Exome Variant Server 0.00015; 1000 Genomes Project 0.00020; gnomAD 0.00030 and 0.00031; 1000 Genomes Project 30x 0.00031; TOPMed 0.00052.
gnomAD v4.1: 95 of 1,613,838 alleles (0.0059%); highest among the groups gnomAD compares: Admixed American, 0.057%; no homozygotes.

Submissions (5):

Labcorp Genetics (formerly Invitae), Labcorp
Classification: Likely benign for Neuroblastoma, susceptibility to, 3. Last evaluated: 2026-02-02. Review status: criteria provided, single submitter. Criteria: Invitae Variant Classification Sherloc (09022015). Collection method: clinical testing. Allele origin: germline.

Ambry Genetics
Classification: Likely benign for Hereditary cancer-predisposing syndrome. Last evaluated: 2024-03-20. Review status: criteria provided, single submitter. Criteria: Ambry Variant Classification Scheme 2023. Collection method: clinical testing. Allele origin: germline.

Blueprint Genetics
Classification: Likely benign. Last evaluated: 2022-06-22. Review status: criteria provided, single submitter. Criteria: ACMG Guidelines, 2015. Collection method: clinical testing. Allele origin: germline.

Sema4
Classification: Benign for Hereditary cancer-predisposing syndrome. Last evaluated: 2021-11-12. Review status: criteria provided, single submitter. Criteria: Sema4 Curation Guidelines. Collection method: curation. Allele origin: germline.

GeneDx
Classification: Likely benign. Last evaluated: 2017-02-10. Review status: criteria provided, single submitter. Criteria: GeneDx Variant Classification (06012015). Collection method: clinical testing. Allele origin: germline. Affected: yes.
Comment: This variant is considered likely benign or benign based on one or more of the following criteria: it is a conservative change, it occurs at a poorly conserved position in the protein, it is predicted to be benign by multiple in silico algorithms, and/or has population frequency not consistent with disease.